The following is an entry in ClinVar:

NC_000016.9:g.(?_89986211)_89987210del

Gene: MC1R (melanocortin 1 receptor; plus strand).
Variant type: Deletion.
Identifiers: ClinVar variation 1003539 (VCV001003539.2).

ClinVar aggregate classification (germline): Uncertain significance (1 of 4 stars; one submission).

Conditions:
Melanoma, cutaneous malignant, susceptibility to, 5. Also called: Cutaneous malignant melanoma 5. Identifiers: Orphanet 618, MedGen C2751295, MONDO:0013133, OMIM 613099.

Submission:

Labcorp Genetics (formerly Invitae), Labcorp
Classification: Uncertain significance for Melanoma, cutaneous malignant, susceptibility to, 5. Last evaluated: 2017-11-02. Review status: criteria provided, single submitter. Criteria: Invitae Variant Classification Sherloc (09022015). Collection method: clinical testing. Allele origin: germline.
Comment: This variant is a gross deletion of the MC1R single exon gene (c.544_*590del), and¬†encompasses ~40% of the coding sequence. While this deletion is not anticipated to result in nonsense mediated decay, it is expected to create a truncated protein product. This variant has not been reported in the literature in individuals with MC1R-related disease. In summary, the available evidence is currently insufficient to determine the role of this variant in disease. Therefore, it has been classified as a Variant of Uncertain Significance.